The following is an entry in ClinVar:

ClinVar aggregate classification (germline): Uncertain significance (1 of 4 stars; one submission).

Allele frequency attached by ClinVar (database versions not stated): gnomAD exomes below 0.00001; gnomAD 0.00001; TOPMed 0.00002.
gnomAD v4.1: 8 of 1,613,400 alleles (0.0005%); highest among the groups gnomAD compares: Non-Finnish European, 0.00042%; no homozygotes.

Submission:

Labcorp Genetics (formerly Invitae), Labcorp
Classification: Uncertain significance. Last evaluated: 2022-06-21. Review status: criteria provided, single submitter. Criteria: Invitae Variant Classification Sherloc (09022015). Collection method: clinical testing. Allele origin: germline.
Comment: In summary, the available evidence is currently insufficient to determine the role of this variant in disease. Therefore, it has been classified as a Variant of Uncertain Significance. Algorithms developed to predict the effect of missense changes on protein structure and function are either unavailable or do not agree on the potential impact of this missense change (SIFT: "Tolerated"; PolyPhen-2: "Probably Damaging"; Align-GVGD: "Class C0"). This variant has not been reported in the literature in individuals affected with SPEG-related conditions. This variant is present in population databases (no rsID available, gnomAD 0.003%). This sequence change replaces glutamic acid, which is acidic and polar, with glycine, which is neutral and non-polar, at codon 2919 of the SPEG protein (p.Glu2919Gly).

NM_005876.5(SPEG):c.8756A>G (p.Glu2919Gly)

Genes: ASIC4-AS1 (ASIC4 antisense RNA 1; minus strand), SPEG (striated muscle enriched protein kinase; plus strand). Cytogenetic location: 2q35.
Variant type: single nucleotide variant.
Coding change: c.8756A>G on transcript NM_005876.5 (MANE Select); coding-DNA position 8756, A replaced by G.
Protein change: p.Glu2919Gly; replaces glutamic acid 2919 with glycine.
Molecular consequence: missense variant.
Genome position (GRCh38, 1-based): chr2:219,489,774, A>G. VCF-style: chr2-219489774-A-G. GRCh37 (hg19) VCF-style: chr2-220354496-A-G.
Other names: short protein forms E2919G.
Identifiers: ClinVar variation 1960574 (VCV001960574.3), dbSNP rs1259750732, ClinGen allele CA350712461.